The following is an entry in ClinVar:

NM_005585.5(SMAD6):c.815C>T (p.Pro272Leu)

Gene: SMAD6 (SMAD family member 6; plus strand). Cytogenetic location: 15q22.31.
Variant type: single nucleotide variant.
Coding change: c.815C>T on transcript NM_005585.5 (MANE Select); coding-DNA position 815, C replaced by T.
Protein change: p.Pro272Leu; replaces proline 272 with leucine.
Molecular consequence: missense variant. On other transcripts: non-coding transcript variant (1).
Genome position (GRCh38, 1-based): chr15:66,704,073, C>T. VCF-style: chr15-66704073-C-T. GRCh37 (hg19) VCF-style: chr15-66996411-C-T.
Other names: short protein forms P272L.
Identifiers: ClinVar variation 3033361 (VCV003033361.2), dbSNP rs1893053228, ClinGen allele CA392950303.

ClinVar aggregate classification (germline): Uncertain significance (0 of 4 stars; one submission).

Conditions:
SMAD6-related disease. Also called: SMAD6-related condition; SMAD6-related disorder. Identifiers: MedGen CN381596, MONDO:0700324.

Allele frequency attached by ClinVar (database versions not stated): gnomAD 0.00001.
gnomAD v4.1: 4 of 1,480,600 alleles (0.00027%); highest among the groups gnomAD compares: Non-Finnish European, 0.00036%; no homozygotes.

Submission:

PreventionGenetics, part of Exact Sciences
Classification: Uncertain significance for SMAD6-related condition. Last evaluated: 2023-11-29. Review status: no assertion criteria provided. Collection method: clinical testing. Allele origin: germline.
Comment: The SMAD6 c.815C>T variant is predicted to result in the amino acid substitution p.Pro272Leu. This variant has been reported as de novo in an individual with an autism spectrum disorder (Table S20, Fu et al. 2022. PubMed ID: 35982160; Supplementary Data 1, Zhou et al. 2022. PubMed ID: 35982159). This variant has not been reported in a large population database, indicating this variant is rare. At this time, the clinical significance of this variant is uncertain due to the absence of conclusive functional and genetic evidence.